The following is an entry in ClinVar:

NM_000310.4(PPT1):c.401T>C (p.Ile134Thr)

Gene: PPT1 (palmitoyl-protein thioesterase 1; minus strand). Cytogenetic location: 1p34.2.
Variant type: single nucleotide variant.
Coding change: c.401T>C on transcript NM_000310.4 (MANE Select); coding-DNA position 401, T replaced by C.
Protein change: p.Ile134Thr; replaces isoleucine 134 with threonine.
Molecular consequence: missense variant. On other transcripts: intron variant (1).
Genome position (GRCh38, 1-based): chr1:40,091,361, A>G on the plus strand (T>C on the coding strand, the complement: PPT1 is on the minus strand). VCF-style: chr1-40091361-A-G. GRCh37 (hg19) VCF-style: chr1-40557033-A-G.
Other names: p.I134T:ATC>ACC; c.401T>C, p.Ile134Thr (NM_001363695.2); c.125-1849T>C (NM_001142604.2); short protein forms I134T.
Identifiers: ClinVar variation 130022 (VCV000130022.35), dbSNP rs1800205, ClinGen allele CA288993.

ClinVar aggregate classification (germline): Benign. Review status: criteria provided, multiple submitters, no conflicts (2 of 4 stars). 15 submissions from 15 submitters: Benign (9). 6 of the submissions do not count toward it. Last evaluated 2026-02-04.

Conditions:
Inborn genetic diseases. Identifiers: MedGen C0950123, MeSH D030342.
Neuronal ceroid lipofuscinosis 1 (CLN1). Also called: CEROID LIPOFUSCINOSIS, NEURONAL, 1, VARIABLE AGE AT ONSET; PPT1-Related Neuronal Ceroid-Lipofuscinosis. Identifiers: Orphanet 228329, MedGen C1850451, MONDO:0009744, OMIM 256730.

Allele frequency attached by ClinVar (database versions not stated): ESP Exome Variant Server 0.03491; TOPMed 0.03658; gnomAD 0.04289 and 0.04712; gnomAD exomes 0.06591; ExAC 0.06666; 1000 Genomes Project 30x 0.06918; 1000 Genomes Project 0.07388.
gnomAD v4.1: 83,573 of 1,613,744 alleles (5.2%); highest among the groups gnomAD compares: East Asian, 12%; 2,964 homozygotes.

Submissions (15):

Labcorp Genetics (formerly Invitae), Labcorp
Classification: Benign for Neuronal ceroid lipofuscinosis 1. Last evaluated: 2026-02-04. Review status: criteria provided, single submitter. Criteria: Invitae Variant Classification Sherloc (09022015). Collection method: clinical testing. Allele origin: germline.

Blueprint Genetics
Classification: Benign. Last evaluated: 2024-11-26. Review status: criteria provided, single submitter. Criteria: ACMG Guidelines, 2015. Collection method: clinical testing. Allele origin: germline.

Genome-Nilou Lab
Classification: Benign for Neuronal ceroid lipofuscinosis 1. Last evaluated: 2021-07-08. Review status: criteria provided, single submitter. Criteria: ACMG Guidelines, 2015. Collection method: clinical testing. Allele origin: germline. Affected: no.

Athena Diagnostics
Classification: Benign. Last evaluated: 2018-05-07. Review status: criteria provided, single submitter. Criteria: Athena Diagnostics Criteria. Collection method: clinical testing. Allele origin: germline.

Illumina Laboratory Services, Illumina
Classification: Benign for Neuronal ceroid lipofuscinosis 1. Last evaluated: 2018-01-12. Review status: criteria provided, single submitter. Criteria: ICSL Variant Classification Criteria 13 December 2019. Collection method: clinical testing. Allele origin: germline.
Comment: This variant was observed in the ICSL laboratory as part of a predisposition screen in an ostensibly healthy population. It had not been previously curated by ICSL or reported in the Human Gene Mutation Database (HGMD: prior to June 1st, 2018), and was therefore a candidate for classification through an automated scoring system. Utilizing variant allele frequency, disease prevalence and penetrance estimates, and inheritance mode, an automated score was calculated to assess if this variant is too frequent to cause the disease. Based on the score and internal cut-off values, a variant classified as benign is not then subjected to further curation. The score for this variant resulted in a classification of benign for this disease.

Ambry Genetics
Classification: Benign for Inborn genetic diseases. Last evaluated: 2016-03-17. Review status: criteria provided, single submitter. Criteria: Ambry Variant Classification Scheme 2023. Collection method: clinical testing. Allele origin: germline.

GeneDx
Classification: Benign. Last evaluated: 2012-03-15. Review status: criteria provided, single submitter. Criteria: GeneDx Variant Classification (06012015). Collection method: clinical testing. Allele origin: germline. Affected: yes.
Comment: This variant is considered likely benign or benign based on one or more of the following criteria: it is a conservative change, it occurs at a poorly conserved position in the protein, it is predicted to be benign by multiple in silico algorithms, and/or has population frequency not consistent with disease.

Breakthrough Genomics
Classification: Benign. Review status: criteria provided, single submitter. Criteria: ACMG Guidelines, 2015. Collection method: not provided. Allele origin: germline. Inheritance: Autosomal recessive inheritance. Affected: yes.

PreventionGenetics, part of Exact Sciences
Classification: Benign. Review status: criteria provided, single submitter. Criteria: ACMG Guidelines, 2015. Collection method: clinical testing. Allele origin: germline.

Natera, Inc.
Classification: Benign for Neuronal ceroid lipofuscinosis 1. Last evaluated: 2020-09-16. Review status: no assertion criteria provided. Collection method: clinical testing. Allele origin: germline. Not counted in ClinVar's aggregate classification.

Mayo Clinic Laboratories, Mayo Clinic
Classification: Benign. Last evaluated: 2015-12-15. Review status: no assertion criteria provided. Collection method: clinical testing. Allele origin: unknown. Not counted in ClinVar's aggregate classification.

Clinical Genetics DNA and cytogenetics Diagnostics Lab, Erasmus MC, Erasmus Medical Center
Classification: Benign. Review status: no assertion criteria provided. Collection method: clinical testing. Allele origin: germline. Affected: yes. Study: VKGL Data-share Consensus. Not counted in ClinVar's aggregate classification.

Genetic Services Laboratory, University of Chicago
Classification: Likely benign for AllHighlyPenetrant. Review status: no assertion criteria provided. Collection method: clinical testing. Allele origin: germline. Inheritance: Autosomal recessive inheritance. Not counted in ClinVar's aggregate classification.
Comment: Likely benign based on allele frequency in 1000 Genomes Project or ESP global frequency and its presence in a patient with a rare or unrelated disease phenotype. NOT Sanger confirmed.

Genome Diagnostics Laboratory, Amsterdam University Medical Center
Classification: Benign. Review status: no assertion criteria provided. Collection method: clinical testing. Allele origin: germline. Affected: yes. Study: VKGL Data-share Consensus. Not counted in ClinVar's aggregate classification.

Genome Diagnostics Laboratory, University Medical Center Utrecht
Classification: Benign. Review status: no assertion criteria provided. Collection method: clinical testing. Allele origin: germline. Affected: yes. Study: VKGL Data-share Consensus. Not counted in ClinVar's aggregate classification.